The following is an entry in ClinVar:

NM_001142864.4(PIEZO1):c.1679G>A (p.Arg560Gln)

Genes: HSALR1 (HSP90AB1 associated lncRNA 1; plus strand), PIEZO1 (piezo type mechanosensitive ion channel component 1 (Er blood group); minus strand). Cytogenetic location: 16q24.3.
Variant type: single nucleotide variant.
Coding change: c.1679G>A on transcript NM_001142864.4 (MANE Select); coding-DNA position 1679, G replaced by A.
Protein change: p.Arg560Gln; replaces arginine 560 with glutamine.
Molecular consequence: missense variant.
Genome position (GRCh38, 1-based): chr16:88,735,044, C>T on the plus strand (G>A on the coding strand, the complement: PIEZO1 is on the minus strand). VCF-style: chr16-88735044-C-T. GRCh37 (hg19) VCF-style: chr16-88801452-C-T.
Other names: c.1679G>A (NM_001142864.2, NM_001142864.3); short protein forms R560Q.
Identifiers: ClinVar variation 1330886 (VCV001330886.14), dbSNP rs371837534, ClinGen allele CA8232934.
Genomic context (GRCh38, chr16:88,735,044, plus strand): 5'-CAGTACTTGGCGTACACGCCCTTCACCAGCTCCCCCAGGCTCTGCAACAGCGTCTGCGTC[C>T]GCGTGGGCTCTGTGGGCCAAGCCAGGGGCAGGCGATGGCATCAGGGCGGGCAGGCAGGAG-3'
Protein context (NP_001136336.2, residues 550-570): EVTVADTEPT[Arg560Gln]TQTLLQSLGE

ClinVar aggregate classification (germline): Benign/Likely benign. Review status: criteria provided, multiple submitters, no conflicts (2 of 4 stars). 4 submissions from 4 submitters: Benign (1); Likely benign (3). Last evaluated 2025-09-16.

Conditions:
PIEZO1-related disorder. Also called: PIEZO1-related condition; PIEZO1-Related Disorders.
Inborn genetic diseases. Identifiers: MedGen C0950123, MeSH D030342.

Allele frequency attached by ClinVar (database versions not stated): gnomAD exomes 0.00005 and 0.00011; ExAC 0.00020; gnomAD 0.00042 and 0.00043; ESP Exome Variant Server 0.00044; 1000 Genomes Project 0.00060; 1000 Genomes Project 30x 0.00078.
gnomAD v4.1: 135 of 1,550,372 alleles (0.0087%); highest among the groups gnomAD compares: African/African-American, 0.11%; no homozygotes.

Submissions (4):

PreventionGenetics, part of Exact Sciences
Classification: Likely benign for PIEZO1-related condition. Last evaluated: 2025-09-16. Review status: criteria provided, single submitter. Criteria: ACMG Guidelines, 2015. Collection method: clinical testing. Allele origin: germline.
Comment: This variant is classified as likely benign based on ACMG/AMP sequence variant interpretation guidelines (Richards et al. 2015 PMID: 25741868, with internal and published modifications).

Labcorp Genetics (formerly Invitae), Labcorp
Classification: Benign. Last evaluated: 2025-06-24. Review status: criteria provided, single submitter. Criteria: Invitae Variant Classification Sherloc (09022015). Collection method: clinical testing. Allele origin: germline.

Ambry Genetics
Classification: Likely benign for Inborn genetic diseases. Last evaluated: 2022-04-12. Review status: criteria provided, single submitter. Criteria: Ambry Variant Classification Scheme 2023. Collection method: clinical testing. Allele origin: germline.

ARUP Laboratories, Molecular Genetics and Genomics, ARUP Laboratories
Classification: Likely benign. Last evaluated: 2021-12-19. Review status: criteria provided, single submitter. Criteria: ARUP Molecular Germline Variant Investigation Process 2021. Collection method: clinical testing. Allele origin: germline.